The following continues an entry in ClinVar:

NM_000552.5(VWF):c.5191T>A (p.Ser1731Thr)

Gene: VWF. ClinVar aggregate classification (germline): Conflicting classifications of pathogenicity. Likely pathogenic (2); Uncertain significance (7); Likely benign (1).

Submissions 8 to 13 of 13:

Laboratory for Molecular Medicine, Mass General Brigham Personalized Medicine
Classification: Uncertain significance. Last evaluated: 2022-06-23. Review status: criteria provided, single submitter. Criteria: ACMG Guidelines, 2015. Collection method: clinical testing. Allele origin: germline.
Comment: The p.Ser1731Thr variant in VWF has been reported in at least 3 individuals with clinical features of Von Willebrand disease and 1 homozygous individual with Glanzmann thrombasthenia, and segregated with disease in 2 affected relatives from 2 families. However, it was also identified in 1 individual with an alternate molecular cause of disease and 4 asymptomatic relatives (Ribba 2001 PMID: 11583318, Riddell 2009 PMID: 19687512, Veyradier 2016 PMID: 26986123, Owaidah 2019 PMID: 30792900, Al-Doory 2020). This variant has been identified in 2.1% (217/10370) of Ashkenazi Jewish chromosomes and 0.11% (136/129190) of European chromosomes by gnomAD and is reported in ClinVar (Variation ID: 100420). Computational prediction tools and conservation analyses do not provide strong support for or against an impact to the protein. In vitro functional studies provide some evidence that the p.Ser1731Thr variant may have a partial impact to protein function (Flood 2009 PMID: 20345715, Riddell 2009 PMID: 19687512, Flood 2015 PMID: 25662333); however, these in vitro results may not be biologically relevant. In summary, while the clinical significance of this variant is uncertain, its frequency suggests that it is more likely to be benign. ACMG/AMP Criteria applied: PS3_Supporting, BS1.

Genetic Services Laboratory, University of Chicago
Classification: Uncertain significance. Last evaluated: 2021-08-18. Review status: criteria provided, single submitter. Criteria: ACMG Guidelines, 2015. Collection method: clinical testing. Allele origin: germline. Affected: no.
Comment: DNA sequence analysis of the VWF gene demonstrated a sequence change, c.5191T>A, in exon 30 that results in an amino acid change, p.Ser1731Thr. This sequence change has been described in the gnomAD database with a frequency of 2.1% in Ashkenazi Jewish subpopulation (dbSNP rs61750603). This sequence change has been previously described in the heterozygous states in individuals and families with von Willebrand disease (PMIDs: 11583318, 26986123, 19687512, 28971901). The p.Ser1731Thr change affects a highly conserved amino acid residue located in the A3 domain of the VWF protein. Functional studies show p.Ser1731Thr disrupts the binding of VWF to collagen (PMIDs: 11583318, 19687512, 20345715). Due to the lack of sufficient evidence, the clinical significance of the p.Ser1731Thr change remains unknown at this time.

Department of Pathology and Laboratory Medicine, Sinai Health System
Classification: Uncertain significance for von Willebrand disease type 1; von Willebrand disease type 3; von Willebrand disease type 2. Last evaluated: 2021-07-30. Review status: criteria provided, single submitter. Criteria: ACMG Guidelines, 2015. Collection method: research. Allele origin: germline.

Angelo Bianchi Bonomi Hemophilia and Thrombosis Center, Fondazione IRCCS Ca Granda Ospedale Maggiore Policlinico
Classification: Benign for von Willebrand disease type 2. Last evaluated: 2022-04-26. Review status: no assertion criteria provided. Collection method: clinical testing. Allele origin: germline. Affected: yes. Not counted in ClinVar's aggregate classification.

Academic Unit of Haematology, University of Sheffield
No classification provided. Review status: no classification provided. Collection method: not provided. Allele origin: not provided. Not counted in ClinVar's aggregate classification.

Dr. Peter K. Rogan Lab, Western University
No classification provided (evidence only). Condition: Hepatocellular carcinoma. Review status: no classification provided. Collection method: in vitro. Allele origin: not applicable. Functional consequence: retained intron. Not counted in ClinVar's aggregate classification.

Literature cited by the submitters: PubMed 28971901 (cited by Women's Health and Genetics/Laboratory Corporation of America, LabCorp and Quest Diagnostics Nichols Institute San Juan Capistrano); PubMed 26986123 (cited by 4 submitters); PubMed 19687512 (cited by Women's Health and Genetics/Laboratory Corporation of America, LabCorp and Quest Diagnostics Nichols Institute San Juan Capistrano); PubMed 25051961 (cited by 3 submitters); PubMed 20345715 (cited by 4 submitters); PubMed 34758185 (cited by Women's Health and Genetics/Laboratory Corporation of America, LabCorp and Quest Diagnostics Nichols Institute San Juan Capistrano); PubMed 30792900 (cited by 3 submitters); PubMed 29604837 (cited by Women's Health and Genetics/Laboratory Corporation of America, LabCorp and Quest Diagnostics Nichols Institute San Juan Capistrano); PubMed 11583318 (cited by 3 submitters); PubMed 34708896 (cited by Women's Health and Genetics/Laboratory Corporation of America, LabCorp and Quest Diagnostics Nichols Institute San Juan Capistrano); PubMed 37647632 (cited by Women's Health and Genetics/Laboratory Corporation of America, LabCorp); PubMed 25662333 (cited by Quest Diagnostics Nichols Institute San Juan Capistrano and Laboratory for Molecular Medicine, Mass General Brigham Personalized Medicine); PubMed 23406206 (cited by Quest Diagnostics Nichols Institute San Juan Capistrano); PubMed 23216583 (cited by Quest Diagnostics Nichols Institute San Juan Capistrano); PubMed 24385719 (cited by Quest Diagnostics Nichols Institute San Juan Capistrano); PubMed 19630771 (cited by Quest Diagnostics Nichols Institute San Juan Capistrano); PubMed 18036186 (cited by Quest Diagnostics Nichols Institute San Juan Capistrano); PubMed 16870550 (cited by Quest Diagnostics Nichols Institute San Juan Capistrano); PubMed 21967679 (cited by Center for Genomic Medicine, Rigshospitalet, Copenhagen University Hospital).